The following is an entry in ClinVar:

NM_152564.5(VPS13B):c.7347G>T (p.Trp2449Cys)

Gene: VPS13B (vacuolar protein sorting 13 homolog B; plus strand). Cytogenetic location: 8q22.2.
Variant type: single nucleotide variant.
Coding change: c.7347G>T on transcript NM_152564.5 (MANE Select); coding-DNA position 7347, G replaced by T.
Protein change: p.Trp2449Cys; replaces tryptophan 2449 with cysteine.
Molecular consequence: missense variant.
Genome position (GRCh38, 1-based): chr8:99,776,874, G>T. VCF-style: chr8-99776874-G-T. GRCh37 (hg19) VCF-style: chr8-100789102-G-T.
Other names: c.7422G>T, p.Trp2474Cys (NM_017890.5); short protein forms W2449C, W2474C.
Identifiers: ClinVar variation 2154393 (VCV002154393.4), dbSNP rs2491830451, ClinGen allele CA371875741.

ClinVar aggregate classification (germline): Uncertain significance (1 of 4 stars; one submission).

Conditions:
Cohen syndrome (COH1). Also called: PEPPER SYNDROME; Cutis verticis gyrata, retinitis pigmentosa, and sensorineural deafness. Identifiers: Orphanet 193, MedGen C0265223, MONDO:0008999, OMIM 216550.

Submission:

Labcorp Genetics (formerly Invitae), Labcorp
Classification: Uncertain significance for Cohen syndrome. Last evaluated: 2022-06-16. Review status: criteria provided, single submitter. Criteria: Invitae Variant Classification Sherloc (09022015). Collection method: clinical testing. Allele origin: germline.
Comment: In summary, the available evidence is currently insufficient to determine the role of this variant in disease. Therefore, it has been classified as a Variant of Uncertain Significance. Algorithms developed to predict the effect of missense changes on protein structure and function are either unavailable or do not agree on the potential impact of this missense change (SIFT: "Not Available"; PolyPhen-2: "Possibly Damaging"; Align-GVGD: "Not Available"). This variant has not been reported in the literature in individuals affected with VPS13B-related conditions. This variant is not present in population databases (gnomAD no frequency). This sequence change replaces tryptophan, which is neutral and slightly polar, with cysteine, which is neutral and slightly polar, at codon 2474 of the VPS13B protein (p.Trp2474Cys).